The following is an entry in ClinVar:

NM_001374736.1(DST):c.1743A>G (p.Leu581=)

Gene: DST (dystonin; minus strand). Cytogenetic location: 6p12.1.
Variant type: single nucleotide variant.
Coding change: c.1743A>G on transcript NM_001374736.1 (MANE Select); coding-DNA position 1743, A replaced by G.
Protein change: p.Leu581=; no amino-acid change (leucine 581 retained).
Molecular consequence: synonymous variant.
Genome position (GRCh38, 1-based): chr6:56,645,901, T>C on the plus strand (A>G on the coding strand, the complement: DST is on the minus strand). VCF-style: chr6-56645901-T-C. GRCh37 (hg19) VCF-style: chr6-56510699-T-C.
Other names: p.Leu548=; c.1644A>G (NM_001144769.3); c.1644A>G, p.Leu548= (NM_001144769.5); c.1230A>G, p.Leu410= (NM_001144770.2); c.1743A>G, p.Leu581= (NM_001374722.1); c.1110A>G, p.Leu370= (NM_001374729.1, NM_001374730.1, NM_001386100.1 and 1 more transcripts); c.1770A>G, p.Leu590= (NM_001374734.1).
Identifiers: ClinVar variation 3048392 (VCV003048392.4), dbSNP rs80241715, ClinGen allele CA3871635.

ClinVar aggregate classification (germline): Benign/Likely benign. Review status: criteria provided, multiple submitters, no conflicts (2 of 4 stars). 3 submissions from 3 submitters: Benign (1); Likely benign (1). 1 of the submissions does not count toward it. Last evaluated 2025-02-05.

Conditions:
DST-related disorder. Also called: DST-related condition; DST-related disorders.

Allele frequency attached by ClinVar (database versions not stated): gnomAD 0.00074; TOPMed 0.00096; 1000 Genomes Project 30x 0.00437; 1000 Genomes Project 0.00499.
gnomAD v4.1: 1,237 of 1,613,856 alleles (0.077%); highest among the groups gnomAD compares: East Asian, 2.5%; 13 homozygotes.

Submissions (3):

Mayo Clinic Laboratories, Mayo Clinic
Classification: Benign. Last evaluated: 2025-02-05. Review status: criteria provided, single submitter. Criteria: ACMG Guidelines, 2015. Collection method: clinical testing. Allele origin: germline. Observed: 1 variant allele.
Comment: BS1, BS2, BP4, BP7

Blueprint Genetics
Classification: Likely benign. Last evaluated: 2024-11-08. Review status: criteria provided, single submitter. Criteria: ACMG Guidelines, 2015. Collection method: clinical testing. Allele origin: germline.

PreventionGenetics, part of Exact Sciences
Classification: Benign for DST-related condition. Last evaluated: 2019-04-05. Review status: no assertion criteria provided. Collection method: clinical testing. Allele origin: germline. Not counted in ClinVar's aggregate classification.
Comment: This variant is classified as benign based on ACMG/AMP sequence variant interpretation guidelines (Richards et al. 2015 PMID: 25741868, with internal and published modifications).